The following is an entry in ClinVar:

ClinVar aggregate classification (germline): Uncertain significance (1 of 4 stars; one submission).

Submission:

Labcorp Genetics (formerly Invitae), Labcorp
Classification: Uncertain significance. Last evaluated: 2023-07-21. Review status: criteria provided, single submitter. Criteria: Invitae Variant Classification Sherloc (09022015). Collection method: clinical testing. Allele origin: germline.
Comment: In summary, the available evidence is currently insufficient to determine the role of this variant in disease. Therefore, it has been classified as a Variant of Uncertain Significance. An algorithm developed to predict the effect of missense changes on protein structure and function (PolyPhen-2) suggests that this variant is likely to be disruptive. This variant has not been reported in the literature in individuals affected with ZNF469-related conditions. This variant is not present in population databases (gnomAD no frequency). This sequence change replaces serine, which is neutral and polar, with arginine, which is basic and polar, at codon 479 of the ZNF469 protein (p.Ser479Arg).

NM_001367624.2(ZNF469):c.1437T>A (p.Ser479Arg)

Gene: ZNF469 (zinc finger protein 469; plus strand). Cytogenetic location: 16q24.2.
Variant type: single nucleotide variant.
Coding change: c.1437T>A on transcript NM_001367624.2 (MANE Select); coding-DNA position 1437, T replaced by A.
Protein change: p.Ser479Arg; replaces serine 479 with arginine.
Molecular consequence: missense variant.
Genome position (GRCh38, 1-based): chr16:88,428,907, T>A. VCF-style: chr16-88428907-T-A. GRCh37 (hg19) VCF-style: chr16-88495315-T-A.
Other names: short protein forms S479R.
Identifiers: ClinVar variation 2745765 (VCV002745765.3), dbSNP rs1282137829, ClinGen allele CA397066815.